The following is an entry in ClinVar:

ClinVar aggregate classification (germline): Uncertain significance. Review status: criteria provided, multiple submitters, no conflicts (2 of 4 stars). 3 submissions from 3 submitters: Uncertain significance (3). Last evaluated 2024-06-11.

Conditions:
Age related macular degeneration 1 (ARMD1). Also called: MACULOPATHY, AGE-RELATED, 1. Identifiers: MedGen C1864205, MONDO:0011285, OMIM 603075.

Allele frequency attached by ClinVar (database versions not stated): gnomAD exomes 0.00002; TOPMed 0.00003; gnomAD 0.00005; ExAC 0.00006; 1000 Genomes Project 30x 0.00031; 1000 Genomes Project 0.00040.
gnomAD v4.1: 42 of 1,613,496 alleles (0.0026%); highest among the groups gnomAD compares: African/African-American, 0.013%; no homozygotes.

Submissions (3):

Labcorp Genetics (formerly Invitae), Labcorp
Classification: Uncertain significance. Last evaluated: 2024-06-11. Review status: criteria provided, single submitter. Criteria: Invitae Variant Classification Sherloc (09022015). Collection method: clinical testing. Allele origin: germline.
Comment: This sequence change replaces threonine, which is neutral and polar, with methionine, which is neutral and non-polar, at codon 2649 of the HMCN1 protein (p.Thr2649Met). This variant is present in population databases (rs150251628, gnomAD 0.02%). This variant has not been reported in the literature in individuals affected with HMCN1-related conditions. ClinVar contains an entry for this variant (Variation ID: 1923277). An algorithm developed to predict the effect of missense changes on protein structure and function (PolyPhen-2) suggests that this variant is likely to be disruptive. In summary, the available evidence is currently insufficient to determine the role of this variant in disease. Therefore, it has been classified as a Variant of Uncertain Significance.

Genome-Nilou Lab
Classification: Uncertain significance for Age related macular degeneration 1. Last evaluated: 2023-04-11. Review status: criteria provided, single submitter. Criteria: ACMG Guidelines, 2015. Collection method: clinical testing. Allele origin: germline. Affected: no.

Ambry Genetics
Classification: Uncertain significance. Last evaluated: 2021-07-14. Review status: criteria provided, single submitter. Criteria: Ambry Variant Classification Scheme 2023. Collection method: clinical testing. Allele origin: germline.

NM_031935.3(HMCN1):c.7946C>T (p.Thr2649Met)

Gene: HMCN1 (hemicentin 1; plus strand). Cytogenetic location: 1q31.1.
Variant type: single nucleotide variant.
Coding change: c.7946C>T on transcript NM_031935.3 (MANE Select); coding-DNA position 7946, C replaced by T.
Protein change: p.Thr2649Met; replaces threonine 2649 with methionine.
Molecular consequence: missense variant.
Genome position (GRCh38, 1-based): chr1:186,069,729, C>T. VCF-style: chr1-186069729-C-T. GRCh37 (hg19) VCF-style: chr1-186038861-C-T.
Other names: short protein forms T2649M.
Identifiers: ClinVar variation 1923277 (VCV001923277.7), dbSNP rs150251628, ClinGen allele CA1292986.